The following is an entry in ClinVar:

ClinVar aggregate classification (germline): Benign/Likely benign. Review status: criteria provided, multiple submitters, no conflicts (2 of 4 stars). 11 submissions from 11 submitters: Benign (8); Likely benign (1). 2 of the submissions do not count toward it. Last evaluated 2026-02-04.

Conditions:
Inborn genetic diseases. Identifiers: MedGen C0950123, MeSH D030342.
Pyridoxine-dependent epilepsy (EPEO4). Also called: Pyridoxine-Dependent Seizures; EPILEPSY, EARLY-ONSET, 4, VITAMIN B6-DEPENDENT; PYRIDOXINE DEPENDENCY WITH SEIZURES; Pyridoxine-Dependent Epilepsy - ALDH7A1. Identifiers: Orphanet 3006, MedGen C1849508, MONDO:0009945, OMIM 266100. Disease mechanism: loss of function.

Allele frequency attached by ClinVar (database versions not stated): gnomAD exomes 0.02403 and 0.03025; ExAC 0.03250; gnomAD 0.05865 and 0.06152; 1000 Genomes Project 0.06030; 1000 Genomes Project 30x 0.06371; TOPMed 0.06500; ESP Exome Variant Server 0.06697.
gnomAD v4.1: 44,544 of 1,613,936 alleles (2.8%); highest among the groups gnomAD compares: African/African-American, 15%; 1,362 homozygotes.

Submissions (11):

Labcorp Genetics (formerly Invitae), Labcorp
Classification: Benign for Pyridoxine-dependent epilepsy. Last evaluated: 2026-02-04. Review status: criteria provided, single submitter. Criteria: Invitae Variant Classification Sherloc (09022015). Collection method: clinical testing. Allele origin: germline.

Blueprint Genetics
Classification: Likely benign. Last evaluated: 2024-11-26. Review status: criteria provided, single submitter. Criteria: ACMG Guidelines, 2015. Collection method: clinical testing. Allele origin: germline.

Genome-Nilou Lab
Classification: Benign for Pyridoxine-dependent epilepsy. Last evaluated: 2023-04-11. Review status: criteria provided, single submitter. Criteria: ACMG Guidelines, 2015. Collection method: clinical testing. Allele origin: germline. Affected: no.

Mayo Clinic Laboratories, Mayo Clinic
Classification: Benign. Last evaluated: 2018-04-10. Review status: criteria provided, single submitter. Criteria: ACMG Guidelines, 2015. Collection method: clinical testing. Allele origin: germline. Observed: 44 variant alleles.

Illumina Laboratory Services, Illumina
Classification: Benign for Pyridoxine-dependent epilepsy. Last evaluated: 2018-01-13. Review status: criteria provided, single submitter. Criteria: ICSL Variant Classification Criteria 13 December 2019. Collection method: clinical testing. Allele origin: germline.
Comment: This variant was observed in the ICSL laboratory as part of a predisposition screen in an ostensibly healthy population. It had not been previously curated by ICSL or reported in the Human Gene Mutation Database (HGMD: prior to June 1st, 2018), and was therefore a candidate for classification through an automated scoring system. Utilizing variant allele frequency, disease prevalence and penetrance estimates, and inheritance mode, an automated score was calculated to assess if this variant is too frequent to cause the disease. Based on the score and internal cut-off values, a variant classified as benign is not then subjected to further curation. The score for this variant resulted in a classification of benign for this disease.

Genome Diagnostics Laboratory, University Medical Center Utrecht
Classification: Benign for Pyridoxine-dependent epilepsy. Last evaluated: 2017-01-03. Review status: criteria provided, single submitter. Criteria: ACGS Guidelines, 2013. Collection method: clinical testing. Allele origin: germline. Affected: yes. Study: VKGL Data-share Consensus.

Ambry Genetics
Classification: Benign for Inborn genetic diseases. Last evaluated: 2016-04-27. Review status: criteria provided, single submitter. Criteria: Ambry Variant Classification Scheme 2023. Collection method: clinical testing. Allele origin: germline.

GeneDx
Classification: Benign. Last evaluated: 2015-03-03. Review status: criteria provided, single submitter. Criteria: GeneDx Variant Classification Process June 2021. Collection method: clinical testing. Allele origin: germline. Affected: yes.

PreventionGenetics, part of Exact Sciences
Classification: Benign. Review status: criteria provided, single submitter. Criteria: ACMG Guidelines, 2015. Collection method: clinical testing. Allele origin: germline.

Clinical Genetics, Academic Medical Center
Classification: Benign. Review status: no assertion criteria provided. Collection method: clinical testing. Allele origin: germline. Affected: yes. Study: VKGL Data-share Consensus. Not counted in ClinVar's aggregate classification.

Genetic Services Laboratory, University of Chicago
Classification: Likely benign for AllHighlyPenetrant. Review status: no assertion criteria provided. Collection method: clinical testing. Allele origin: germline. Inheritance: Autosomal recessive inheritance. Not counted in ClinVar's aggregate classification.
Comment: Likely benign based on allele frequency in 1000 Genomes Project or ESP global frequency and its presence in a patient with a rare or unrelated disease phenotype. NOT Sanger confirmed.

NM_001182.5(ALDH7A1):c.273T>C (p.Thr91=)

Gene: ALDH7A1 (aldehyde dehydrogenase 7 family member A1; minus strand). Cytogenetic location: 5q23.2.
Variant type: single nucleotide variant.
Coding change: c.273T>C on transcript NM_001182.5 (MANE Select); coding-DNA position 273, T replaced by C.
Protein change: p.Thr91=; no amino-acid change (threonine 91 retained).
Molecular consequence: synonymous variant.
Genome position (GRCh38, 1-based): chr5:126,592,703, A>G on the plus strand (T>C on the coding strand, the complement: ALDH7A1 is on the minus strand). VCF-style: chr5-126592703-A-G. GRCh37 (hg19) VCF-style: chr5-125928395-A-G.
Other names: p.Thr91=; c.189T>C, p.Thr63= (NM_001201377.2); c.273T>C, p.Thr91= (NM_001202404.2).
Identifiers: ClinVar variation 128347 (VCV000128347.31), dbSNP rs60720055, ClinGen allele CA151750.